The following is an entry in ClinVar:

ClinVar aggregate classification (germline): Likely benign (1 of 4 stars; one submission).

Submission:

CeGaT Center for Human Genetics Tuebingen
Classification: Likely benign. Last evaluated: 2026-06-01. Review status: criteria provided, single submitter. Criteria: CeGaT Center For Human Genetics Tuebingen Variant Classification Criteria Version 2. Collection method: clinical testing. Allele origin: germline. Affected: yes. Observed: 2 variant alleles.
Comment: SCN10A: PM2:Supporting, BP4, BP7

NM_006514.4(SCN10A):c.876C>T (p.His292=)

Gene: SCN10A (sodium voltage-gated channel alpha subunit 10; minus strand). Cytogenetic location: 3p22.2.
Variant type: single nucleotide variant.
Coding change: c.876C>T on transcript NM_006514.4 (MANE Select); coding-DNA position 876, C replaced by T.
Protein change: p.His292=; no amino-acid change (histidine 292 retained).
Molecular consequence: synonymous variant.
Genome position (GRCh38, 1-based): chr3:38,761,199, G>A on the plus strand (C>T on the coding strand, the complement: SCN10A is on the minus strand). VCF-style: chr3-38761199-G-A. GRCh37 (hg19) VCF-style: chr3-38802690-G-A.
Other names: c.876C>T, p.His292= (NM_001293306.2, NM_001293307.2).
Identifiers: ClinVar variation 5039964 (VCV005039964.1).